The following is an entry in ClinVar:

NM_001718.6(BMP6):c.1485C>G (p.Ser495=)

Gene: BMP6 (bone morphogenetic protein 6; plus strand). Cytogenetic location: 6p24.3.
Variant type: single nucleotide variant.
Coding change: c.1485C>G on transcript NM_001718.6 (MANE Select); coding-DNA position 1485, C replaced by G.
Protein change: p.Ser495=; no amino-acid change (serine 495 retained).
Molecular consequence: synonymous variant.
Genome position (GRCh38, 1-based): chr6:7,880,286, C>G. VCF-style: chr6-7880286-C-G. GRCh37 (hg19) VCF-style: chr6-7880519-C-G.
Identifiers: ClinVar variation 2673043 (VCV002673043.23), dbSNP rs149391648, ClinGen allele CA3628952.
Genomic context (GRCh38, chr6:7,880,286, plus strand): 5'-ACCGTGCTGTGCGCCAACTAAGCTAAATGCCATCTCGGTTCTTTACTTTGATGACAACTC[C>G]AATGTCATTCTGAAAAAATACAGGAATATGGTTGTAAGAGCTTGTGGATGCCACTAACTC-3'
Protein context (NP_001709.1, residues 485-505): AISVLYFDDN[Ser495=]NVILKKYRNM

ClinVar aggregate classification (germline): Likely benign (1 of 4 stars; one submission).

Allele frequency attached by ClinVar (database versions not stated): ExAC 0.00024; gnomAD 0.00074; TOPMed 0.00083; 1000 Genomes Project 30x 0.00016; 1000 Genomes Project 0.00020; ESP Exome Variant Server 0.00085.

Submission:

CeGaT Center for Human Genetics Tuebingen
Classification: Likely benign. Last evaluated: 2023-11-01. Review status: criteria provided, single submitter. Criteria: CeGaT Center For Human Genetics Tuebingen Variant Classification Criteria Version 2. Collection method: clinical testing. Allele origin: germline. Affected: yes. Observed: 1 variant allele.
Comment: BMP6: BP4, BP7